The following is an entry in ClinVar:

ClinVar aggregate classification (germline): Uncertain significance (0 of 4 stars; one submission).

Conditions:
FASN-related disorder. Also called: FASN-related condition.

gnomAD v4.1: 1 of 1,607,230 alleles (0.000062%); no homozygotes.

Submission:

PreventionGenetics, part of Exact Sciences
Classification: Uncertain significance for FASN-related condition. Last evaluated: 2024-02-09. Review status: no assertion criteria provided. Collection method: clinical testing. Allele origin: germline.
Comment: The FASN c.5219-2A>G variant is predicted to disrupt the AG splice acceptor site and interfere with normal splicing. To our knowledge, this variant has not been reported in the literature or in a large population database, indicating this variant is rare. At this time, the clinical significance of this variant is uncertain due to the absence of conclusive functional and genetic evidence.

NM_004104.5(FASN):c.5219-2A>G

Gene: FASN (fatty acid synthase; minus strand). Cytogenetic location: 17q25.3.
Variant type: single nucleotide variant.
Coding change: c.5219-2A>G on transcript NM_004104.5 (MANE Select); the canonical splice acceptor site of the intron before coding-DNA position 5219, A replaced by G.
Molecular consequence: splice acceptor variant.
Genome position (GRCh38, 1-based): chr17:82,083,641, T>C on the plus strand (A>G on the coding strand, the complement: FASN is on the minus strand). VCF-style: chr17-82083641-T-C. GRCh37 (hg19) VCF-style: chr17-80041517-T-C.
Identifiers: ClinVar variation 3051306 (VCV003051306.2), dbSNP rs111573802, ClinGen allele CA295127808.